The following is an entry in ClinVar:

NM_000137.4(FAH):c.1030del (p.Asp344fs)

Gene: FAH (fumarylacetoacetate hydrolase; plus strand). Cytogenetic location: 15q25.1.
Variant type: Deletion.
Coding change: c.1030del on transcript NM_000137.4 (MANE Select); coding-DNA position 1030, one base deleted (G; older notation c.1030delG).
Protein change: p.Asp344fs; shifts the reading frame from aspartic acid 344.
Molecular consequence: frameshift variant.
Genome position (GRCh38, 1-based): chr15:80,180,193, G deleted; the last of 5 consecutive G bases (chr15:80,180,189-80,180,193); deleting any one gives the same sequence. VCF-style (leftmost placement, unchanged base first): chr15-80180188-CG-C. GRCh37 (hg19) VCF-style: chr15-80472530-CG-C.
Other names: c.1030del, p.Asp344fs (NM_001374377.1, NM_001374380.1); c.1030delG (NM_000137.2); short protein forms D344fs.
Identifiers: ClinVar variation 945587 (VCV000945587.11), dbSNP rs747546798, ClinGen allele CA7691442.

ClinVar aggregate classification (germline): Pathogenic/Likely pathogenic. Review status: criteria provided, multiple submitters, no conflicts (2 of 4 stars). 5 submissions from 5 submitters: Pathogenic (3); Likely pathogenic (2). Last evaluated 2025-10-24.

Conditions:
FAH-related disorders.
Tyrosinemia type I (TYRSN1). Also called: Tyrosinemia type 1; Fumarylacetoacetase deficiency; Deficiency of fumarylacetoacetase; HEPATORENAL TYROSINEMIA; FAH DEFICIENCY. Identifiers: Orphanet 882, MedGen C0268490, MONDO:0010161, OMIM 276700. Disease mechanism: loss of function.

Submissions (5):

Labcorp Genetics (formerly Invitae), Labcorp
Classification: Pathogenic for Tyrosinemia type I. Last evaluated: 2025-10-24. Review status: criteria provided, single submitter. Criteria: Invitae Variant Classification Sherloc (09022015). Collection method: clinical testing. Allele origin: germline.
Comment: This sequence change creates a premature translational stop signal (p.Asp344Thrfs*30) in the FAH gene. It is expected to result in an absent or disrupted protein product. Loss-of-function variants in FAH are known to be pathogenic (PMID: 9101289, 9633815). This variant is present in population databases (rs747546798, gnomAD 0.009%). This premature translational stop signal has been observed in individual(s) with tyrosinemia (PMID: 23430822). This variant is also known as 1107delG. ClinVar contains an entry for this variant (Variation ID: 945587). For these reasons, this variant has been classified as Pathogenic.

Natera, Inc.
Classification: Pathogenic for Tyrosinemia type I. Last evaluated: 2025-02-18. Review status: criteria provided, single submitter. Criteria: Natera Variant Classification Schema (03/2026). Collection method: clinical testing. Allele origin: germline.
Comment: The c.1030delG variant in FAH is a frameshift variant predicted to shift the reading frame beginning at codon 344 and leads to a stop codon 30 codons downstream. This variant is expected to result in nonsense mediated decay, truncation, or a dysfunctional protein product. This variant is rare in the general population with a frequency below the threshold expected for the associated phenotype(s). This variant has been observed in one or more individuals affected with the associated recessive disease, as either homozygous or compound heterozygous with a second variant (PMID: 23430822). Given the available evidence, this variant is classified as Pathogenic.

Blueprint Genetics
Classification: Likely pathogenic for FAH-related disorders. Last evaluated: 2024-06-27. Review status: criteria provided, single submitter. Criteria: ACMG Guidelines, 2015. Collection method: clinical testing. Allele origin: germline. Affected: yes. Observed: 3 variant alleles.

Fulgent Genetics
Classification: Likely pathogenic for Tyrosinemia type I. Last evaluated: 2024-03-28. Review status: criteria provided, single submitter. Criteria: ACMG Guidelines, 2015. Collection method: clinical testing. Allele origin: germline.

Baylor Genetics
Classification: Pathogenic for Tyrosinemia type I. Last evaluated: 2023-04-01. Review status: criteria provided, single submitter. Criteria: ACMG Guidelines, 2015. Collection method: clinical testing. Allele origin: unknown.

Literature cited by the submitters: PubMed 9101289 (cited by Labcorp Genetics (formerly Invitae), Labcorp); PubMed 9633815 (cited by Labcorp Genetics (formerly Invitae), Labcorp); PubMed 23430822 (cited by Labcorp Genetics (formerly Invitae), Labcorp and Natera, Inc.).